The following is an entry in ClinVar:

ClinVar aggregate classification (germline): Uncertain significance. Review status: criteria provided, multiple submitters, no conflicts (2 of 4 stars). 2 submissions from 2 submitters: Uncertain significance (2). Last evaluated 2025-02-10.

Conditions:
Inborn genetic diseases. Identifiers: MedGen C0950123, MeSH D030342.

gnomAD v4.1: 4 of 1,613,914 alleles (0.00025%); highest among the groups gnomAD compares: African/African-American, 0.0013%; no homozygotes.

Submissions (2):

Labcorp Genetics (formerly Invitae), Labcorp
Classification: Uncertain significance. Last evaluated: 2025-02-10. Review status: criteria provided, single submitter. Criteria: Invitae Variant Classification Sherloc (09022015). Collection method: clinical testing. Allele origin: germline.
Comment: This sequence change replaces proline, which is neutral and non-polar, with serine, which is neutral and polar, at codon 217 of the BPTF protein (p.Pro217Ser). This variant is present in population databases (no rsID available, gnomAD 0.0009%). This variant has not been reported in the literature in individuals affected with BPTF-related conditions. ClinVar contains an entry for this variant (Variation ID: 3481712). An algorithm developed to predict the effect of missense changes on protein structure and function (PolyPhen-2) suggests that this variant is likely to be disruptive. In summary, the available evidence is currently insufficient to determine the role of this variant in disease. Therefore, it has been classified as a Variant of Uncertain Significance.

Ambry Genetics
Classification: Uncertain significance for Inborn genetic diseases. Last evaluated: 2024-11-08. Review status: criteria provided, single submitter. Criteria: Ambry Variant Classification Scheme 2023. Collection method: clinical testing. Allele origin: germline.

NM_182641.4(BPTF):c.649C>T (p.Pro217Ser)

Gene: BPTF (bromodomain PHD finger transcription factor; plus strand). Cytogenetic location: 17q24.2.
Variant type: single nucleotide variant.
Coding change: c.649C>T on transcript NM_182641.4 (MANE Select); coding-DNA position 649, C replaced by T.
Protein change: p.Pro217Ser; replaces proline 217 with serine.
Molecular consequence: missense variant.
Genome position (GRCh38, 1-based): chr17:67,853,975, C>T. VCF-style: chr17-67853975-C-T. GRCh37 (hg19) VCF-style: chr17-65850091-C-T.
Other names: c.649C>T, p.Pro217Ser (NM_004459.7); short protein forms P217S.
Identifiers: ClinVar variation 3481712 (VCV003481712.2).
Genomic context (GRCh38, chr17:67,853,975, plus strand): 5'-AATGATGTCACGTCTTTATCTACAGGTAGGCGAAAACCAAGAGTACATCGGCCTCGTTCT[C>T]CTATATTGGAAGAAAAAGACATCCCGCCCCTTGAATTTCCCAAGTCCTCTGAGGATTTAA-3'
Protein context (NP_872579.2, residues 207-227): RKPRVHRPRS[Pro217Ser]ILEEKDIPPL